The following is an entry in ClinVar:

ClinVar aggregate classification (germline): Pathogenic (1 of 4 stars; one submission).

Conditions:
Immunodeficiency 51 (IMD51). Also called: CANDIDIASIS, FAMILIAL, 5. Identifiers: Orphanet 1334, MedGen C4310803, MONDO:0013500, OMIM 613953.

Submission:

Labcorp Genetics (formerly Invitae), Labcorp
Classification: Pathogenic for Immunodeficiency 51. Last evaluated: 2018-10-16. Review status: criteria provided, single submitter. Criteria: Invitae Variant Classification Sherloc (09022015). Collection method: clinical testing. Allele origin: germline.
Comment: For these reasons, this variant has been classified as Pathogenic. Loss-of-function variants in IL17RA are known to be pathogenic (PMID: 27930337). This variant has been observed in a family affected with chronic mucocutaneous candidiasis (PMID: 27930337). This variant is not present in population databases (ExAC no frequency). This sequence change creates a premature translational stop signal (p.Cys57Tyrfs*5) in the IL17RA gene. It is expected to result in an absent or disrupted protein product.

Literature cited by the submitters: PubMed 27930337.

NM_014339.7(IL17RA):c.166_169dup (p.Cys57fs)

Gene: IL17RA (interleukin 17 receptor A; plus strand). Cytogenetic location: 22q11.1.
Variant type: Duplication.
Coding change: c.166_169dup on transcript NM_014339.7 (MANE Select); coding-DNA positions 166 to 169, 4 bases duplicated (ACCT; older notation c.166_169dupACCT).
Protein change: p.Cys57fs; shifts the reading frame from cysteine 57.
Molecular consequence: frameshift variant.
Genome position (GRCh38, 1-based): chr22:17,097,799-17,097,802, ACCT duplicated; duplicating any 4 consecutive bases within chr22:17,097,798-17,097,802 gives the same sequence; the c. name uses the placement nearest the transcript's 3' end. VCF-style (leftmost placement, unchanged base first): chr22-17097797-G-GTACC. GRCh37 (hg19) VCF-style: chr22-17578687-G-GTACC.
Other names: c.166_169dup, p.Cys57fs (NM_001289905.2); short protein forms C57fs.
Identifiers: ClinVar variation 649522 (VCV000649522.8), dbSNP rs1601340933, ClinGen allele CA915953010.